The following is an entry in ClinVar:

NM_002076.4(GNS):c.20C>T (p.Ala7Val)

Gene: GNS (glucosamine (N-acetyl)-6-sulfatase; minus strand). Cytogenetic location: 12q14.3.
Variant type: single nucleotide variant.
Coding change: c.20C>T on transcript NM_002076.4 (MANE Select); coding-DNA position 20, C replaced by T.
Protein change: p.Ala7Val; replaces alanine 7 with valine.
Molecular consequence: missense variant.
Genome position (GRCh38, 1-based): chr12:64,759,257, G>A on the plus strand (C>T on the coding strand, the complement: GNS is on the minus strand). VCF-style: chr12-64759257-G-A. GRCh37 (hg19) VCF-style: chr12-65153037-G-A.
Other names: short protein forms A7V.
Identifiers: ClinVar variation 4752216 (VCV004752216.1).

ClinVar aggregate classification (germline): Uncertain significance (1 of 4 stars; one submission).

Conditions:
Mucopolysaccharidosis, MPS-III-D (MPS3D). Also called: MPS IIID (Sanfilippo Syndrome Type D); N-ACETYLGLUCOSAMINE-6-SULFATASE DEFICIENCY; SANFILIPPO SYNDROME D; MPS III D; Mucopoly-saccharidosis type 3D; N-acetylglucosamine-6-sulfate sulfatase deficiency. Identifiers: Orphanet 581, Orphanet 79272, MedGen C0086650, MONDO:0009658, OMIM 252940.

Submission:

Labcorp Genetics (formerly Invitae), Labcorp
Classification: Uncertain significance for Mucopolysaccharidosis, MPS-III-D. Last evaluated: 2025-09-20. Review status: criteria provided, single submitter. Criteria: Invitae Variant Classification Sherloc (09022015). Collection method: clinical testing. Allele origin: germline.
Comment: This sequence change replaces alanine, which is neutral and non-polar, with valine, which is neutral and non-polar, at codon 7 of the GNS protein (p.Ala7Val). This variant is not present in population databases (gnomAD no frequency). This variant has not been reported in the literature in individuals affected with GNS-related conditions. Experimental studies and prediction algorithms are not available or were not evaluated, and the functional significance of this variant is currently unknown. In summary, the available evidence is currently insufficient to determine the role of this variant in disease. Therefore, it has been classified as a Variant of Uncertain Significance.